The following is an entry in ClinVar:

ClinVar aggregate classification (germline): Uncertain significance (1 of 4 stars; one submission).

Conditions:
Emery-Dreifuss muscular dystrophy 5, autosomal dominant (EDMD5). Also called: EMERY-DREIFUSS MUSCULAR DYSTROPHY 5. Identifiers: Orphanet 261, MedGen C2751805, MONDO:0013072, OMIM 612999.

Submission:

Labcorp Genetics (formerly Invitae), Labcorp
Classification: Uncertain significance for Emery-Dreifuss muscular dystrophy 5, autosomal dominant. Last evaluated: 2023-09-04. Review status: criteria provided, single submitter. Criteria: Invitae Variant Classification Sherloc (09022015). Collection method: clinical testing. Allele origin: germline.
Comment: This sequence change replaces serine, which is neutral and polar, with arginine, which is basic and polar, at codon 6640 of the SYNE2 protein (p.Ser6640Arg). This variant is not present in population databases (gnomAD no frequency). This variant has not been reported in the literature in individuals affected with SYNE2-related conditions. An algorithm developed to predict the effect of missense changes on protein structure and function (PolyPhen-2) suggests that this variant is likely to be disruptive. In summary, the available evidence is currently insufficient to determine the role of this variant in disease. Therefore, it has been classified as a Variant of Uncertain Significance.

NM_182914.3(SYNE2):c.19920C>A (p.Ser6640Arg)

Gene: SYNE2 (spectrin repeat containing nuclear envelope protein 2; plus strand). Cytogenetic location: 14q23.2.
Variant type: single nucleotide variant.
Coding change: c.19920C>A on transcript NM_182914.3 (MANE Select); coding-DNA position 19920, C replaced by A.
Protein change: p.Ser6640Arg; replaces serine 6640 with arginine.
Molecular consequence: missense variant.
Genome position (GRCh38, 1-based): chr14:64,220,496, C>A. VCF-style: chr14-64220496-C-A. GRCh37 (hg19) VCF-style: chr14-64687214-C-A.
Other names: c.19851C>A, p.Ser6617Arg (NM_015180.6); c.444C>A, p.Ser148Arg (NM_182910.2); c.822C>A, p.Ser274Arg (NM_182913.4); short protein forms S274R, S148R, S6617R, S6640R.
Identifiers: ClinVar variation 2758059 (VCV002758059.3), dbSNP rs777287720, ClinGen allele CA389968347.